The following is an entry in ClinVar:

ClinVar aggregate classification (germline): Uncertain significance. Review status: criteria provided, multiple submitters, no conflicts (2 of 4 stars). 2 submissions from 2 submitters: Uncertain significance (2). Last evaluated 2024-12-06.

Conditions:
Hereditary cancer-predisposing syndrome. Also called: Neoplastic Syndromes, Hereditary; Hereditary Cancer Syndrome; Hereditary neoplastic syndrome; Tumor predisposition. Identifiers: Orphanet 140162, MedGen C0027672, MeSH D009386, MONDO:0015356.
Familial cancer of breast. Also called: BREAST CANCER, FAMILIAL; Hereditary breast cancer; hereditary breast carcinoma. Identifiers: Orphanet 227535, MedGen C0346153, MONDO:0016419, OMIM 114480. Disease mechanism: loss of function.

Allele frequency attached by ClinVar (database versions not stated): gnomAD exomes below 0.00001.
gnomAD v4.1: 3 of 1,614,192 alleles (0.00019%); highest among the groups gnomAD compares: Non-Finnish European, 0.00025%; no homozygotes.

Submissions (2):

Ambry Genetics
Classification: Uncertain significance for Hereditary cancer-predisposing syndrome. Last evaluated: 2024-12-06. Review status: criteria provided, single submitter. Criteria: Ambry Variant Classification Scheme 2023. Collection method: clinical testing. Allele origin: germline.
Comment: The p.T284I variant (also known as c.851C>T), located in coding exon 4 of the PALB2 gene, results from a C to T substitution at nucleotide position 851. The threonine at codon 284 is replaced by isoleucine, an amino acid with similar properties. This amino acid position is poorly conserved in available vertebrate species. In addition, this alteration is predicted to be tolerated by in silico analysis. Since supporting evidence is limited at this time, the clinical significance of this alteration remains unclear.

Labcorp Genetics (formerly Invitae), Labcorp
Classification: Uncertain significance for Familial cancer of breast. Last evaluated: 2022-07-29. Review status: criteria provided, single submitter. Criteria: Invitae Variant Classification Sherloc (09022015). Collection method: clinical testing. Allele origin: germline.
Comment: Algorithms developed to predict the effect of missense changes on protein structure and function output the following: SIFT: "Tolerated"; PolyPhen-2: "Benign"; Align-GVGD: "Class C0". The isoleucine amino acid residue is found in multiple mammalian species, which suggests that this missense change does not adversely affect protein function. In summary, the available evidence is currently insufficient to determine the role of this variant in disease. Therefore, it has been classified as a Variant of Uncertain Significance. ClinVar contains an entry for this variant (Variation ID: 461026). This sequence change replaces threonine, which is neutral and polar, with isoleucine, which is neutral and non-polar, at codon 284 of the PALB2 protein (p.Thr284Ile). This variant is not present in population databases (gnomAD no frequency). This variant has not been reported in the literature in individuals affected with PALB2-related conditions.

NM_024675.4(PALB2):c.851C>T (p.Thr284Ile)

Gene: PALB2 (partner and localizer of BRCA2; minus strand). Cytogenetic location: 16p12.2.
Variant type: single nucleotide variant.
Coding change: c.851C>T on transcript NM_024675.4 (MANE Select); coding-DNA position 851, C replaced by T.
Protein change: p.Thr284Ile; replaces threonine 284 with isoleucine.
Molecular consequence: missense variant.
Genome position (GRCh38, 1-based): chr16:23,635,695, G>A on the plus strand (C>T on the coding strand, the complement: PALB2 is on the minus strand). VCF-style: chr16-23635695-G-A. GRCh37 (hg19) VCF-style: chr16-23647016-G-A.
Other names: short protein forms T284I.
Identifiers: ClinVar variation 461026 (VCV000461026.18), dbSNP rs1555461583, ClinGen allele CA395135856.
Genomic context (GRCh38, chr16:23,635,695, plus strand): 5'-AGGAGGTTATCTGTAGAGACAGTCATTTTTTTGCCTTGTGCCTCCAAACTTACAGGTGAA[G>A]TAAATCTAATGTTTTTTAGGTCGTGAGTAGTAAGTTCACTGCTACCTTTAGGAGGAATGT-3'
Protein context (NP_078951.2, residues 274-294): TTHDLKNIRF[Thr284Ile]SPVSLEAQGK